The following is an entry in ClinVar:

NM_004341.5(CAD):c.2180C>T (p.Ala727Val)

Gene: CAD (carbamoyl-phosphate synthetase 2, aspartate transcarbamylase, and dihydroorotase; plus strand). Cytogenetic location: 2p23.3.
Variant type: single nucleotide variant.
Coding change: c.2180C>T on transcript NM_004341.5 (MANE Select); coding-DNA position 2180, C replaced by T.
Protein change: p.Ala727Val; replaces alanine 727 with valine.
Molecular consequence: missense variant.
Genome position (GRCh38, 1-based): chr2:27,226,855, C>T. VCF-style: chr2-27226855-C-T. GRCh37 (hg19) VCF-style: chr2-27449723-C-T.
Other names: c.1991C>T, p.Ala664Val (NM_001306079.2); short protein forms A664V, A727V.
Identifiers: ClinVar variation 2064274 (VCV002064274.4), dbSNP rs1675468478, ClinGen allele CA346208327.
Genomic context (GRCh38, chr2:27,226,855, plus strand): 5'-TCACTGTCCTTCTGGCATCCCACCTGCTGGACCCCAGGAACTCTGTGACAGGGGGTACAG[C>T]AGCCTTTGAACCCAGCGTGGATTATTGTGTGGTGAAGATTCCTCGATGGGACCTTAGCAA-3'
Protein context (NP_004332.2, residues 717-737): ELRNSVTGGT[Ala727Val]AFEPSVDYCV

ClinVar aggregate classification (germline): Uncertain significance (1 of 4 stars; one submission).

Allele frequency attached by ClinVar (database versions not stated): TOPMed below 0.00001; gnomAD 0.00001.
gnomAD v4.1: 1 of 1,614,062 alleles (0.000062%); highest among the groups gnomAD compares: African/African-American, 0.0013%; no homozygotes.

Submission:

Labcorp Genetics (formerly Invitae), Labcorp
Classification: Uncertain significance. Last evaluated: 2022-03-26. Review status: criteria provided, single submitter. Criteria: Invitae Variant Classification Sherloc (09022015). Collection method: clinical testing. Allele origin: germline.
Comment: This variant is not present in population databases (gnomAD no frequency). In summary, the available evidence is currently insufficient to determine the role of this variant in disease. Therefore, it has been classified as a Variant of Uncertain Significance. Algorithms developed to predict the effect of missense changes on protein structure and function (SIFT, PolyPhen-2, Align-GVGD) all suggest that this variant is likely to be tolerated. This variant has not been reported in the literature in individuals affected with CAD-related conditions. This sequence change replaces alanine, which is neutral and non-polar, with valine, which is neutral and non-polar, at codon 727 of the CAD protein (p.Ala727Val).